The following is an entry in ClinVar:

ClinVar aggregate classification (germline): Uncertain significance (1 of 4 stars; one submission).

Conditions:
Cardiovascular phenotype. Identifiers: MedGen CN230736.

Allele frequency attached by ClinVar (database versions not stated): gnomAD exomes below 0.00001.
gnomAD v4.1: 1 of 1,614,032 alleles (0.000062%); highest among the groups gnomAD compares: South Asian, 0.0011%; no homozygotes.

Submission:

Ambry Genetics
Classification: Uncertain significance for Cardiovascular phenotype. Last evaluated: 2023-09-18. Review status: criteria provided, single submitter. Criteria: Ambry Variant Classification Scheme 2023. Collection method: clinical testing. Allele origin: germline.
Comment: The p.L2233V variant (also known as c.6697C>G), located in coding exon 49 of the ABCA1 gene, results from a C to G substitution at nucleotide position 6697. The leucine at codon 2233 is replaced by valine, an amino acid with highly similar properties. This amino acid position is conserved. In addition, this alteration is predicted to be tolerated by in silico analysis. Since supporting evidence is limited at this time, the clinical significance of this alteration remains unclear.

NM_005502.4(ABCA1):c.6697C>G (p.Leu2233Val)

Genes: ABCA1 (ATP binding cassette subfamily A member 1; minus strand), NIPSNAP3B (nipsnap homolog 3B; plus strand). Cytogenetic location: 9q31.1.
Variant type: single nucleotide variant.
Coding change: c.6697C>G on transcript NM_005502.4 (MANE Select); coding-DNA position 6697, C replaced by G.
Protein change: p.Leu2233Val; replaces leucine 2233 with valine.
Molecular consequence: missense variant.
Genome position (GRCh38, 1-based): chr9:104,784,404, G>C on the plus strand (C>G on the coding strand, the complement: ABCA1 is on the minus strand). VCF-style: chr9-104784404-G-C. GRCh37 (hg19) VCF-style: chr9-107546685-G-C.
Other names: short protein forms L2233V.
Identifiers: ClinVar variation 3224774 (VCV003224774.1), dbSNP rs2538024840, ClinGen allele CA374310878.